The following is an entry in ClinVar:

NM_012210.4(TRIM32):c.6T>G (p.Ala2=)

Genes: ASTN2 (astrotactin 2; minus strand), TRIM32 (tripartite motif containing 32; plus strand). Cytogenetic location: 9q33.1.
Variant type: single nucleotide variant.
Coding change: c.6T>G on transcript NM_012210.4 (MANE Select); coding-DNA position 6, T replaced by G.
Protein change: p.Ala2=; no amino-acid change (alanine 2 retained).
Molecular consequence: synonymous variant. On other transcripts: intron variant (3).
Genome position (GRCh38, 1-based): chr9:116,697,748, T>G. VCF-style: chr9-116697748-T-G. GRCh37 (hg19) VCF-style: chr9-119460027-T-G.
Other names: c.6T>G, p.Ala2= (NM_001099679.2, NM_001379048.1, NM_001379049.1 and 1 more transcripts); c.2653+28023A>C (NM_014010.5); c.2794+28023A>C (NM_001365069.1); c.2806+28023A>C (NM_001365068.1).
Identifiers: ClinVar variation 284296 (VCV000284296.23), dbSNP rs141352486, ClinGen allele CA5210884.

ClinVar aggregate classification (germline): Conflicting classifications of pathogenicity. Review status: criteria provided, conflicting classifications (1 of 4 stars). 6 submissions from 6 submitters: Uncertain significance (1); Benign (2); Likely benign (2). 1 of the submissions does not count toward it. Last evaluated 2026-01-19.

Conditions:
Bardet-Biedl syndrome (BBS). Identifiers: Orphanet 110, MedGen C0752166, MONDO:0015229.

Allele frequency attached by ClinVar (database versions not stated): gnomAD exomes 0.00007 and 0.00021; ExAC 0.00029; 1000 Genomes Project 0.00080; gnomAD 0.00081 and 0.00086; TOPMed 0.00094; ESP Exome Variant Server 0.00100; 1000 Genomes Project 30x 0.00109.
gnomAD v4.1: 230 of 1,614,036 alleles (0.014%); highest among the groups gnomAD compares: African/African-American, 0.28%; no homozygotes.

Submissions (6):

Labcorp Genetics (formerly Invitae), Labcorp
Classification: Benign for Bardet-Biedl syndrome. Last evaluated: 2026-01-19. Review status: criteria provided, single submitter. Criteria: Invitae Variant Classification Sherloc (09022015). Collection method: clinical testing. Allele origin: germline.

Athena Diagnostics
Classification: Benign. Last evaluated: 2025-02-24. Review status: criteria provided, single submitter. Criteria: Athena Diagnostics Criteria. Collection method: clinical testing. Allele origin: unknown.
Comment: The frequency of this variant in the general population is higher than would generally be expected for pathogenic variants in this gene. Computational tools yielded predictions that this variant is unlikely to have an effect on normal RNA splicing. This nucleotide position exhibits low evolutionary conservation.

Blueprint Genetics
Classification: Likely benign. Last evaluated: 2024-03-21. Review status: criteria provided, single submitter. Criteria: ACMG Guidelines, 2015. Collection method: clinical testing. Allele origin: germline.

GeneDx
Classification: Likely benign. Last evaluated: 2021-03-30. Review status: criteria provided, single submitter. Criteria: GeneDx Variant Classification Process June 2021. Collection method: clinical testing. Allele origin: germline. Affected: yes.

Eurofins Ntd Llc (ga)
Classification: Uncertain significance. Last evaluated: 2017-05-02. Review status: criteria provided, single submitter. Criteria: EGL Classification Definitions 2015. Collection method: clinical testing. Allele origin: germline. Observed: 4 variant alleles, 4 heterozygotes.

Genetic Services Laboratory, University of Chicago
Classification: Likely benign. Last evaluated: 2022-07-20. Review status: no assertion criteria provided. Collection method: clinical testing. Allele origin: germline. Affected: no. Not counted in ClinVar's aggregate classification.